The following is an entry in ClinVar:

ClinVar aggregate classification (germline): Benign. Review status: criteria provided, multiple submitters, no conflicts (2 of 4 stars). 6 submissions from 6 submitters: Benign (3). 3 of the submissions do not count toward it. Last evaluated 2022-03-24.

Conditions:
DNAJC13-related disorder. Also called: DNAJC13-related condition.

Allele frequency attached by ClinVar (database versions not stated): gnomAD 0.03771 and 0.03703; gnomAD exomes 0.04401 and 0.05146; ExAC 0.04442; 1000 Genomes Project 30x 0.02420; 1000 Genomes Project 0.02496; TOPMed 0.03160; ESP Exome Variant Server 0.03575.
gnomAD v4.1: 80,492 of 1,613,294 alleles (5%); highest among the groups gnomAD compares: South Asian, 6.6%; 2,265 homozygotes.

Submissions 1 to 32 of 123:

Mayo Clinic Laboratories, Mayo Clinic
Classification: Benign. Last evaluated: 2022-03-24. Review status: criteria provided, single submitter. Criteria: ACMG Guidelines, 2015. Collection method: clinical testing. Allele origin: germline. Observed: 52 variant alleles.

GeneDx
Classification: Benign. Last evaluated: 2018-07-09. Review status: criteria provided, single submitter. Criteria: GeneDx Variant Classification Process June 2021. Collection method: clinical testing. Allele origin: germline. Affected: yes.

Breakthrough Genomics
Classification: Benign. Review status: criteria provided, single submitter. Criteria: ACMG Guidelines, 2015. Collection method: not provided. Allele origin: germline. Inheritance: Unknown mechanism. Affected: yes.

PreventionGenetics, part of Exact Sciences
Classification: Benign for DNAJC13-related condition. Last evaluated: 2019-03-07. Review status: no assertion criteria provided. Collection method: clinical testing. Allele origin: germline. Not counted in ClinVar's aggregate classification.
Comment: This variant is classified as benign based on ACMG/AMP sequence variant interpretation guidelines (Richards et al. 2015 PMID: 25741868, with internal and published modifications).

Clinical Genetics DNA and cytogenetics Diagnostics Lab, Erasmus MC, Erasmus Medical Center
Classification: Benign. Review status: no assertion criteria provided. Collection method: clinical testing. Allele origin: germline. Affected: yes. Study: VKGL Data-share Consensus. Not counted in ClinVar's aggregate classification.

Dr. Peter K. Rogan Lab, Western University
No classification provided (evidence only). Condition: Thymoma. Review status: no classification provided. Collection method: in vitro. Allele origin: not applicable. Functional consequence: retained intron. Not counted in ClinVar's aggregate classification.

Dr. Peter K. Rogan Lab, Western University
No classification provided (evidence only). Condition: Cholangiocarcinoma. Review status: no classification provided. Collection method: in vitro. Allele origin: not applicable. Functional consequence: retained intron. Not counted in ClinVar's aggregate classification.

Dr. Peter K. Rogan Lab, Western University
No classification provided (evidence only). Condition: Cholangiocarcinoma. Review status: no classification provided. Collection method: in vitro. Allele origin: not applicable. Functional consequence: retained intron. Not counted in ClinVar's aggregate classification.

Dr. Peter K. Rogan Lab, Western University
No classification provided (evidence only). Condition: Cholangiocarcinoma. Review status: no classification provided. Collection method: in vitro. Allele origin: not applicable. Functional consequence: retained intron. Not counted in ClinVar's aggregate classification.

Dr. Peter K. Rogan Lab, Western University
No classification provided (evidence only). Condition: Adrenocortical carcinoma, hereditary. Review status: no classification provided. Collection method: in vitro. Allele origin: not applicable. Functional consequence: retained intron. Not counted in ClinVar's aggregate classification.

Dr. Peter K. Rogan Lab, Western University
No classification provided (evidence only). Condition: Adrenocortical carcinoma, hereditary. Review status: no classification provided. Collection method: in vitro. Allele origin: not applicable. Functional consequence: retained intron. Not counted in ClinVar's aggregate classification.

Dr. Peter K. Rogan Lab, Western University
No classification provided (evidence only). Condition: Adrenocortical carcinoma, hereditary. Review status: no classification provided. Collection method: in vitro. Allele origin: not applicable. Functional consequence: skipped exon, retained intron. Not counted in ClinVar's aggregate classification.

Dr. Peter K. Rogan Lab, Western University
No classification provided (evidence only). Condition: Adrenocortical carcinoma, hereditary. Review status: no classification provided. Collection method: in vitro. Allele origin: not applicable. Functional consequence: retained intron. Not counted in ClinVar's aggregate classification.

Dr. Peter K. Rogan Lab, Western University
No classification provided (evidence only). Condition: Adrenocortical carcinoma, hereditary. Review status: no classification provided. Collection method: in vitro. Allele origin: not applicable. Functional consequence: retained intron. Not counted in ClinVar's aggregate classification.

Dr. Peter K. Rogan Lab, Western University
No classification provided (evidence only). Condition: Adrenocortical carcinoma, hereditary. Review status: no classification provided. Collection method: in vitro. Allele origin: not applicable. Functional consequence: skipped exon, retained intron. Not counted in ClinVar's aggregate classification.

Dr. Peter K. Rogan Lab, Western University
No classification provided (evidence only). Condition: Adrenocortical carcinoma, hereditary. Review status: no classification provided. Collection method: in vitro. Allele origin: not applicable. Functional consequence: skipped exon, retained intron. Not counted in ClinVar's aggregate classification.

Dr. Peter K. Rogan Lab, Western University
No classification provided (evidence only). Condition: Mesothelioma. Review status: no classification provided. Collection method: in vitro. Allele origin: not applicable. Functional consequence: skipped exon, retained intron. Not counted in ClinVar's aggregate classification.

Dr. Peter K. Rogan Lab, Western University
No classification provided (evidence only). Condition: Uterine carcinosarcoma. Review status: no classification provided. Collection method: in vitro. Allele origin: not applicable. Functional consequence: retained intron. Not counted in ClinVar's aggregate classification.

Dr. Peter K. Rogan Lab, Western University
No classification provided (evidence only). Condition: Uterine carcinosarcoma. Review status: no classification provided. Collection method: in vitro. Allele origin: not applicable. Functional consequence: retained intron. Not counted in ClinVar's aggregate classification.

Dr. Peter K. Rogan Lab, Western University
No classification provided (evidence only). Condition: Uterine carcinosarcoma. Review status: no classification provided. Collection method: in vitro. Allele origin: not applicable. Functional consequence: retained intron. Not counted in ClinVar's aggregate classification.

Dr. Peter K. Rogan Lab, Western University
No classification provided (evidence only). Condition: Uterine carcinosarcoma. Review status: no classification provided. Collection method: in vitro. Allele origin: not applicable. Functional consequence: skipped exon, retained intron. Not counted in ClinVar's aggregate classification.

Dr. Peter K. Rogan Lab, Western University
No classification provided (evidence only). Condition: Uterine carcinosarcoma. Review status: no classification provided. Collection method: in vitro. Allele origin: not applicable. Functional consequence: retained intron. Not counted in ClinVar's aggregate classification.

Dr. Peter K. Rogan Lab, Western University
No classification provided (evidence only). Condition: Uterine carcinosarcoma. Review status: no classification provided. Collection method: in vitro. Allele origin: not applicable. Functional consequence: skipped exon. Not counted in ClinVar's aggregate classification.

Dr. Peter K. Rogan Lab, Western University
No classification provided (evidence only). Condition: Uveal melanoma. Review status: no classification provided. Collection method: in vitro. Allele origin: not applicable. Functional consequence: retained intron. Not counted in ClinVar's aggregate classification.

Dr. Peter K. Rogan Lab, Western University
No classification provided (evidence only). Condition: Uveal melanoma. Review status: no classification provided. Collection method: in vitro. Allele origin: not applicable. Functional consequence: retained intron. Not counted in ClinVar's aggregate classification.

Dr. Peter K. Rogan Lab, Western University
No classification provided (evidence only). Condition: Uveal melanoma. Review status: no classification provided. Collection method: in vitro. Allele origin: not applicable. Functional consequence: skipped exon, retained intron. Not counted in ClinVar's aggregate classification.

Dr. Peter K. Rogan Lab, Western University
No classification provided (evidence only). Condition: Uveal melanoma. Review status: no classification provided. Collection method: in vitro. Allele origin: not applicable. Functional consequence: skipped exon, retained intron. Not counted in ClinVar's aggregate classification.

Dr. Peter K. Rogan Lab, Western University
No classification provided (evidence only). Condition: Uveal melanoma. Review status: no classification provided. Collection method: in vitro. Allele origin: not applicable. Functional consequence: skipped exon, retained intron. Not counted in ClinVar's aggregate classification.

Dr. Peter K. Rogan Lab, Western University
No classification provided (evidence only). Condition: Malignant tumor of esophagus. Review status: no classification provided. Collection method: in vitro. Allele origin: not applicable. Functional consequence: skipped exon, retained intron. Not counted in ClinVar's aggregate classification.

Dr. Peter K. Rogan Lab, Western University
No classification provided (evidence only). Condition: Malignant tumor of esophagus. Review status: no classification provided. Collection method: in vitro. Allele origin: not applicable. Functional consequence: skipped exon, retained intron. Not counted in ClinVar's aggregate classification.

Dr. Peter K. Rogan Lab, Western University
No classification provided (evidence only). Condition: Malignant tumor of esophagus. Review status: no classification provided. Collection method: in vitro. Allele origin: not applicable. Functional consequence: skipped exon, retained intron. Not counted in ClinVar's aggregate classification.

Dr. Peter K. Rogan Lab, Western University
No classification provided (evidence only). Condition: Malignant tumor of esophagus. Review status: no classification provided. Collection method: in vitro. Allele origin: not applicable. Functional consequence: skipped exon, retained intron. Not counted in ClinVar's aggregate classification.

NM_015268.4(DNAJC13):c.5560+4A>T

Gene: DNAJC13 (DnaJ heat shock protein family (Hsp40) member C13; plus strand). Cytogenetic location: 3q22.1.
Variant type: single nucleotide variant.
Coding change: c.5560+4A>T on transcript NM_015268.4 (MANE Select); 4 bases into the intron after coding-DNA position 5560, A replaced by T.
Molecular consequence: intron variant.
Genome position (GRCh38, 1-based): chr3:132,516,500, A>T. VCF-style: chr3-132516500-A-T. GRCh37 (hg19) VCF-style: chr3-132235344-A-T.
Other names: NC_000003.11:g.132235344A>T; p.?; c.5575+4A>T (NM_001329126.2); c.5560+4A>T (NM_015268.3).
Identifiers: ClinVar variation 1210109 (VCV001210109.8), dbSNP rs80120242, ClinGen allele CA2619877.